The following is an entry in ClinVar:

NM_007129.5(ZIC2):c.109G>A (p.Asp37Asn)

Gene: ZIC2 (Zic family zinc finger 2; plus strand). Cytogenetic location: 13q32.3.
Variant type: single nucleotide variant.
Coding change: c.109G>A on transcript NM_007129.5 (MANE Select); coding-DNA position 109, G replaced by A.
Protein change: p.Asp37Asn; replaces aspartic acid 37 with asparagine.
Molecular consequence: missense variant.
Genome position (GRCh38, 1-based): chr13:99,982,173, G>A. VCF-style: chr13-99982173-G-A. GRCh37 (hg19) VCF-style: chr13-100634427-G-A.
Other names: short protein forms D37N.
Identifiers: ClinVar variation 2736050 (VCV002736050.3), dbSNP rs2152162223, ClinGen allele CA388636573.

ClinVar aggregate classification (germline): Uncertain significance (1 of 4 stars; one submission).

Conditions:
Holoprosencephaly 5 (HPE5). Identifiers: Orphanet 2162, MedGen C1864827, MONDO:0012322, OMIM 609637.

Allele frequency attached by ClinVar (database versions not stated): gnomAD exomes below 0.00001.
gnomAD v4.1: 3 of 1,446,116 alleles (0.00021%); highest among the groups gnomAD compares: Non-Finnish European, 0.00027%; no homozygotes.

Submission:

Labcorp Genetics (formerly Invitae), Labcorp
Classification: Uncertain significance for Holoprosencephaly 5. Last evaluated: 2024-01-06. Review status: criteria provided, single submitter. Criteria: Invitae Variant Classification Sherloc (09022015). Collection method: clinical testing. Allele origin: germline.
Comment: This sequence change replaces aspartic acid, which is acidic and polar, with asparagine, which is neutral and polar, at codon 37 of the ZIC2 protein (p.Asp37Asn). This variant is not present in population databases (gnomAD no frequency). This missense change has been observed in individual(s) with holoprosencephaly (PMID: 19177455). An algorithm developed to predict the effect of missense changes on protein structure and function (PolyPhen-2) suggests that this variant is likely to be tolerated. In summary, the available evidence is currently insufficient to determine the role of this variant in disease. Therefore, it has been classified as a Variant of Uncertain Significance.

Literature cited by the submitters: PubMed 19177455.